The following is an entry in ClinVar:

NM_000179.3(MSH6):c.129C>T (p.Ser43=)

Gene: MSH6 (mutS homolog 6; plus strand). Cytogenetic location: 2p16.3.
Variant type: single nucleotide variant.
Coding change: c.129C>T on transcript NM_000179.3 (MANE Select); coding-DNA position 129, C replaced by T.
Protein change: p.Ser43=; no amino-acid change (serine 43 retained).
Molecular consequence: synonymous variant. On other transcripts: 5 prime UTR variant (1).
Genome position (GRCh38, 1-based): chr2:47,783,362, C>T. VCF-style: chr2-47783362-C-T. GRCh37 (hg19) VCF-style: chr2-48010501-C-T.
Other names: c.129C>T, p.Ser43= (NM_001281492.2); c.-608C>T (NM_001281493.2).
Identifiers: ClinVar variation 428358 (VCV000428358.17), dbSNP rs1114167742, ClinGen allele CA346734888.

ClinVar aggregate classification (germline): Benign/Likely benign. Review status: criteria provided, multiple submitters, no conflicts (2 of 4 stars). 4 submissions from 4 submitters: Benign (1); Likely benign (3). Last evaluated 2024-12-17.

Conditions:
Hereditary nonpolyposis colorectal neoplasms. Identifiers: MedGen C0009405, MeSH D003123.
Hereditary cancer-predisposing syndrome. Also called: Hereditary Cancer Syndrome; Neoplastic Syndromes, Hereditary; Hereditary neoplastic syndrome; Tumor predisposition. Identifiers: Orphanet 140162, MedGen C0027672, MeSH D009386, MONDO:0015356.
Lynch syndrome 5 (LYNCH5). Also called: Hereditary non-polyposis colorectal cancer, type 5; Colorectal cancer, hereditary nonpolyposis, type 5. Identifiers: Orphanet 144, MedGen C1833477, MONDO:0013710, OMIM 614350. Disease mechanism: loss of function.

Submissions (4):

Myriad Genetics, Inc.
Classification: Benign for Lynch syndrome 5. Last evaluated: 2024-12-17. Review status: criteria provided, single submitter. Criteria: Myriad Autosomal Dominant, Autosomal Recessive and X-Linked Classification Criteria (2023). Collection method: clinical testing. Allele origin: unknown.
Comment: This variant is considered benign. This variant is a silent/synonymous amino acid change and it is not expected to impact splicing.

Labcorp Genetics (formerly Invitae), Labcorp
Classification: Likely benign for Hereditary nonpolyposis colorectal neoplasms. Last evaluated: 2024-08-01. Review status: criteria provided, single submitter. Criteria: Invitae Variant Classification Sherloc (09022015). Collection method: clinical testing. Allele origin: germline.

Color Diagnostics, LLC DBA Color Health
Classification: Likely benign for Hereditary cancer-predisposing syndrome. Last evaluated: 2017-07-05. Review status: criteria provided, single submitter. Criteria: ACMG Guidelines, 2015. Collection method: clinical testing. Allele origin: germline.

Ambry Genetics
Classification: Likely benign for Hereditary cancer-predisposing syndrome. Last evaluated: 2015-12-02. Review status: criteria provided, single submitter. Criteria: Ambry Variant Classification Scheme 2023. Collection method: clinical testing. Allele origin: germline.